The following is an entry in ClinVar:

NC_000008.10:g.(?_6264189)_(6312793_?)del

Gene: MCPH1 (microcephalin 1; plus strand). Cytogenetic location: 8p23.1.
Variant type: Deletion.
Identifiers: ClinVar variation 1456805 (VCV001456805.5).

ClinVar aggregate classification (germline): Pathogenic (1 of 4 stars; one submission).

Submission:

Labcorp Genetics (formerly Invitae), Labcorp
Classification: Pathogenic. Last evaluated: 2023-07-11. Review status: criteria provided, single submitter. Criteria: Invitae Variant Classification Sherloc (09022015). Collection method: clinical testing. Allele origin: germline.
Comment: This variant is a gross deletion of the genomic region encompassing exon(s) 1-9 of the MCPH1 gene, which includes the initiator codon. This deletion extends beyond the assayed region for this gene and therefore may encompass additional genes. It is expected to result in an absent or disrupted protein product. Loss-of-function variants in MCPH1 are known to be pathogenic (PMID: 20978018). This variant has not been reported in the literature in individuals affected with MCPH1-related conditions. For these reasons, this variant has been classified as Pathogenic.

Literature cited by the submitters: PubMed 20978018.